The following is an entry in ClinVar:

ClinVar aggregate classification (germline): Conflicting classifications of pathogenicity. Review status: criteria provided, conflicting classifications (1 of 4 stars). 2 submissions from 2 submitters: Likely pathogenic (1); Uncertain significance (1). Last evaluated 2023-09-06.

Conditions:
Fanconi anemia (FA). Also called: Fanconi's anemia. Identifiers: Orphanet 84, MedGen C0015625, MeSH D005199, MONDO:0019391.

Allele frequency attached by ClinVar (database versions not stated): 1000 Genomes Project 30x 0.00016.

Submissions (2):

Labcorp Genetics (formerly Invitae), Labcorp
Classification: Likely pathogenic for Fanconi anemia. Last evaluated: 2023-09-06. Review status: criteria provided, single submitter. Criteria: Invitae Variant Classification Sherloc (09022015). Collection method: clinical testing. Allele origin: germline.
Comment: In summary, the currently available evidence indicates that the variant is pathogenic, but additional data are needed to prove that conclusively. Therefore, this variant has been classified as Likely Pathogenic. Algorithms developed to predict the effect of sequence changes on RNA splicing suggest that this variant may disrupt the consensus splice site. ClinVar contains an entry for this variant (Variation ID: 1224531). Disruption of this splice site has been observed in individual(s) with Fanconi anemia (PMID: 34585473). This variant is not present in population databases (gnomAD no frequency). This sequence change affects a donor splice site in intron 9 of the FANCA gene. It is expected to disrupt RNA splicing. Variants that disrupt the donor or acceptor splice site typically lead to a loss of protein function (PMID: 16199547), and loss-of-function variants in FANCA are known to be pathogenic (PMID: 19367192).

Dept. of Cytogenetics, ICMR- National Institute of Immunohaematology
Classification: Uncertain significance for Fanconi anemia. Review status: criteria provided, single submitter. Criteria: ACMG Guidelines, 2015. Collection method: clinical testing. Allele origin: germline. Affected: yes. Observed: 1 variant allele.

Literature cited by the submitters: PubMed 34585473 (cited by Labcorp Genetics (formerly Invitae), Labcorp); PubMed 16199547 (cited by Labcorp Genetics (formerly Invitae), Labcorp); PubMed 19367192 (cited by Labcorp Genetics (formerly Invitae), Labcorp).

NM_000135.4(FANCA):c.826+2T>C

Gene: FANCA (FA complementation group A; minus strand). Cytogenetic location: 16q24.3.
Variant type: single nucleotide variant.
Coding change: c.826+2T>C on transcript NM_000135.4 (MANE Select); the canonical splice donor site of the intron after coding-DNA position 826, T replaced by C.
Molecular consequence: splice donor variant.
Genome position (GRCh38, 1-based): chr16:89,799,603, A>G on the plus strand (T>C on the coding strand, the complement: FANCA is on the minus strand). VCF-style: chr16-89799603-A-G. GRCh37 (hg19) VCF-style: chr16-89866011-A-G.
Other names: c.826+2T>C (NM_001286167.3, NM_001018112.3); c.730+2T>C (NM_001351830.2).
Identifiers: ClinVar variation 1224531 (VCV001224531.5), dbSNP rs2143585058, ClinGen allele CA397473388.